The following is an entry in ClinVar:

ClinVar aggregate classification (germline): Pathogenic. Review status: criteria provided, multiple submitters, no conflicts (2 of 4 stars). 2 submissions from 2 submitters: Pathogenic (2). Last evaluated 2025-01-13.

Conditions:
3-methylcrotonyl-CoA carboxylase 2 deficiency. Also called: METHYLCROTONYLGLYCINURIA, TYPE II; 3 alpha methylcrotonyl-CoA carboxylase 2 deficiency; 3 alpha methylcrotonylglycinuria 2; MCC 2 deficiency; Methylcrotonylglycinuria type 2. Identifiers: Orphanet 6, MedGen C1859499, MONDO:0008862, OMIM 210210.

Submissions (2):

Labcorp Genetics (formerly Invitae), Labcorp
Classification: Pathogenic for 3-methylcrotonyl-CoA carboxylase 2 deficiency. Last evaluated: 2025-01-13. Review status: criteria provided, single submitter. Criteria: Invitae Variant Classification Sherloc (09022015). Collection method: clinical testing. Allele origin: germline.
Comment: This sequence change creates a premature translational stop signal (p.Val150Glufs*22) in the MCCC2 gene. It is expected to result in an absent or disrupted protein product. Loss-of-function variants in MCCC2 are known to be pathogenic (PMID: 11181649, 22642865). This variant is not present in population databases (gnomAD no frequency). This premature translational stop signal has been observed in individual(s) with 3 methylcrotonyl-CoA carboxylase deficiency (PMID: 22150417). For these reasons, this variant has been classified as Pathogenic.

GeneDx
Classification: Pathogenic. Last evaluated: 2017-08-16. Review status: criteria provided, single submitter. Criteria: GeneDx Variant Classification (06012015). Collection method: clinical testing. Allele origin: germline. Affected: yes.
Comment: The c.449_450delTG variant has been reported previously in a patient with 3-methylcrotonyl-CoA carboxylase (3-MCC) deficiency (Cho et al. (2012). The c.449_450delTG variant is not observed in large population cohorts (Lek et al., 2016; 1000 Genomes Consortium et al., 2015; Exome Variant Server). The c.449_450delTG variant causes a frameshift starting with codon Valine 150, changes this amino acid to a Glutamine residue and creates a premature Stop codon at position 22 of the new reading frame, denoted p.Val150GlufsX22. This variant is predicted to cause loss of normal protein function either through protein truncation or nonsense-mediated mRNA decay. In summary, we interpret this variant as pathogenic.

Literature cited by the submitters: PubMed 11181649 (cited by Labcorp Genetics (formerly Invitae), Labcorp); PubMed 22642865 (cited by Labcorp Genetics (formerly Invitae), Labcorp); PubMed 22150417 (cited by Labcorp Genetics (formerly Invitae), Labcorp).

NM_022132.5(MCCC2):c.449_450del (p.Val150fs)

Gene: MCCC2 (methylcrotonyl-CoA carboxylase subunit 2; plus strand). Cytogenetic location: 5q13.2.
Variant type: Microsatellite.
Coding change: c.449_450del on transcript NM_022132.5 (MANE Select); coding-DNA positions 449 to 450, 2 bases deleted (TG; older notation c.449_450delTG).
Protein change: p.Val150fs; shifts the reading frame from valine 150.
Molecular consequence: frameshift variant.
Genome position (GRCh38, 1-based): chr5:71,602,571-71,602,572, TG deleted; deleting any 2 consecutive bases within chr5:71,602,569-71,602,572 gives the same sequence; the c. name uses the placement nearest the transcript's 3' end. VCF-style (leftmost placement, unchanged base first): chr5-71602568-CTG-C. GRCh37 (hg19) VCF-style: chr5-70898395-CTG-C.
Other names: c.449_450delTG (NM_022132.4); c.449_450del, p.Val150fs (NM_001363147.1); short protein forms V150fs.
Identifiers: ClinVar variation 449392 (VCV000449392.5), dbSNP rs1554134061, ClinGen allele CA658657452.